The following is an entry in ClinVar:

NM_001135649.3(FOXI3):c.893C>A (p.Ala298Asp)

Gene: FOXI3 (forkhead box I3; minus strand). Cytogenetic location: 2p11.2.
Variant type: single nucleotide variant.
Coding change: c.893C>A on transcript NM_001135649.3 (MANE Select); coding-DNA position 893, C replaced by A.
Protein change: p.Ala298Asp; replaces alanine 298 with aspartic acid.
Molecular consequence: missense variant.
Genome position (GRCh38, 1-based): chr2:88,448,577, G>T on the plus strand (C>A on the coding strand, the complement: FOXI3 is on the minus strand). VCF-style: chr2-88448577-G-T. GRCh37 (hg19) VCF-style: chr2-88748096-G-T.
Other names: short protein forms A298D.
Identifiers: ClinVar variation 4712990 (VCV004712990.1).

ClinVar aggregate classification (germline): Uncertain significance (1 of 4 stars; one submission).

Submission:

Labcorp Genetics (formerly Invitae), Labcorp
Classification: Uncertain significance. Last evaluated: 2025-02-13. Review status: criteria provided, single submitter. Criteria: Invitae Variant Classification Sherloc (09022015). Collection method: clinical testing. Allele origin: germline.
Comment: This sequence change replaces alanine, which is neutral and non-polar, with aspartic acid, which is acidic and polar, at codon 298 of the FOXI3 protein (p.Ala298Asp). This variant is not present in population databases (gnomAD no frequency). This variant has not been reported in the literature in individuals affected with FOXI3-related conditions. Experimental studies and prediction algorithms are not available or were not evaluated, and the functional significance of this variant is currently unknown. In summary, the available evidence is currently insufficient to determine the role of this variant in disease. Therefore, it has been classified as a Variant of Uncertain Significance.